The following is an entry in ClinVar:

NM_001374828.1(ARID1B):c.1876A>G (p.Ser626Gly)

Gene: ARID1B (AT-rich interaction domain 1B; plus strand). Cytogenetic location: 6q25.3.
Variant type: single nucleotide variant.
Coding change: c.1876A>G on transcript NM_001374828.1 (MANE Select); coding-DNA position 1876, A replaced by G.
Protein change: p.Ser626Gly; replaces serine 626 with glycine.
Molecular consequence: missense variant.
Genome position (GRCh38, 1-based): chr6:156,829,311, A>G. VCF-style: chr6-156829311-A-G. GRCh37 (hg19) VCF-style: chr6-157150445-A-G.
Other names: c.1627A>G (NM_020732.3); c.1876A>G, p.Ser626Gly (NM_001371656.1, NM_001374820.1, NM_017519.3); short protein forms S626G.
Identifiers: ClinVar variation 1033953 (VCV001033953.3), dbSNP rs1214970789, ClinGen allele CA366384108.

ClinVar aggregate classification (germline): Conflicting classifications of pathogenicity. Review status: criteria provided, conflicting classifications (1 of 4 stars). 2 submissions from 2 submitters: Uncertain significance (1); Likely benign (1). Last evaluated 2023-05-31.

Conditions:
Inborn genetic diseases. Identifiers: MedGen C0950123, MeSH D030342.
Coffin-Siris syndrome 1 (CSS1). Also called: ARID1B-Related Coffin-Siris Syndrome; Mental retardation, autosomal dominant 12. Identifiers: Orphanet 1465, MedGen C3281201, MONDO:0007617, OMIM 135900. Disease mechanism: gain of function.

Allele frequency attached by ClinVar (database versions not stated): gnomAD exomes below 0.00001 and 0.00002; TOPMed 0.00001.
gnomAD v4.1: 6 of 1,614,234 alleles (0.00037%); highest among the groups gnomAD compares: East Asian, 0.013%; no homozygotes.

Submissions (2):

Ambry Genetics
Classification: Likely benign for Inborn genetic diseases. Last evaluated: 2023-05-31. Review status: criteria provided, single submitter. Criteria: Ambry Variant Classification Scheme 2023. Collection method: clinical testing. Allele origin: germline.

Baylor Genetics
Classification: Uncertain significance for Coffin-Siris syndrome 1. Last evaluated: 2018-08-06. Review status: criteria provided, single submitter. Criteria: ACMG Guidelines, 2015. Collection method: clinical testing. Allele origin: maternal. Affected: yes.
Comment: This variant was determined to be of uncertain significance according to ACMG Guidelines, 2015 [PMID:25741868].